The following is an entry in ClinVar:

ClinVar aggregate classification (germline): Uncertain significance (1 of 4 stars; one submission).

Conditions:
Cardiovascular phenotype. Identifiers: MedGen CN230736.

gnomAD v4.1: 2 of 1,613,320 alleles (0.00012%); highest among the groups gnomAD compares: Non-Finnish European, 0.00017%; no homozygotes.

Submission:

Ambry Genetics
Classification: Uncertain significance for Cardiovascular phenotype. Last evaluated: 2023-06-05. Review status: criteria provided, single submitter. Criteria: Ambry Variant Classification Scheme 2023. Collection method: clinical testing. Allele origin: germline.
Comment: The p.E440Q variant (also known as c.1318G>C), located in coding exon 9 of the LMF1 gene, results from a G to C substitution at nucleotide position 1318. The glutamic acid at codon 440 is replaced by glutamine, an amino acid with highly similar properties. This amino acid position is conserved. In addition, this alteration is predicted to be tolerated by in silico analysis. Since supporting evidence is limited at this time, the clinical significance of this alteration remains unclear.

NM_022773.4(LMF1):c.1318G>C (p.Glu440Gln)

Gene: LMF1 (lipase maturation factor 1; minus strand). Cytogenetic location: 16p13.3.
Variant type: single nucleotide variant.
Coding change: c.1318G>C on transcript NM_022773.4 (MANE Select); coding-DNA position 1318, G replaced by C.
Protein change: p.Glu440Gln; replaces glutamic acid 440 with glutamine.
Molecular consequence: missense variant. On other transcripts: non-coding transcript variant (1).
Genome position (GRCh38, 1-based): chr16:869,981, C>G on the plus strand (G>C on the coding strand, the complement: LMF1 is on the minus strand). VCF-style: chr16-869981-C-G. GRCh37 (hg19) VCF-style: chr16-919981-C-G.
Other names: c.667G>C, p.Glu223Gln (NM_001352017.2, NM_001352021.2); c.919G>C, p.Glu307Gln (NM_001352018.2); c.991G>C, p.Glu331Gln (NM_001352019.2); c.1318G>C, p.Glu440Gln (NM_001352020.1); short protein forms E307Q, E223Q, E331Q, E440Q.
Identifiers: ClinVar variation 2566297 (VCV002566297.2), dbSNP rs778629426, ClinGen allele CA394124090.
Genomic context (GRCh38, chr16:869,981, plus strand): 5'-AGTGGTACGGGGAGATGAGGCAGGGCCGTCTGCTGGGGTCACCTGGCTTGCACTTGAACT[C>G]GTAGTCCTCCCACATGGCATCGGGGGCGCTGGCGTTGGAGCTGGCTGTGCCCTGCAGGAT-3'
Protein context (NP_073610.2, residues 430-450): SAPDAMWEDY[Glu440Gln]FKCKPGDPSR